The following is an entry in ClinVar:

NM_006086.4(TUBB3):c.277+58C>T

Gene: TUBB3 (tubulin beta 3 class III; plus strand). Cytogenetic location: 16q24.3.
Variant type: single nucleotide variant.
Coding change: c.277+58C>T on transcript NM_006086.4 (MANE Select); 58 bases into the intron after coding-DNA position 277, C replaced by T.
Molecular consequence: intron variant.
Genome position (GRCh38, 1-based): chr16:89,933,636, C>T. VCF-style: chr16-89933636-C-T. GRCh37 (hg19) VCF-style: chr16-90000044-C-T.
Other names: c.61+58C>T (NM_001197181.2).
Identifiers: ClinVar variation 673982 (VCV000673982.2), dbSNP rs77681059, ClinGen allele CA8256033.
Genomic context (GRCh38, chr16:89,933,636, plus strand): 5'-TTGGTAAGTTCCCCCTGCTCCAAGCTCTGATGGCAGACCCCATCACAGGCAAGCCCAGGT[C>T]GGTGGACGGGGACGGCTGTGAGAAACAAGGAATGGTCAGCTCCTCACATGATCCTGAATG-3'

ClinVar aggregate classification (germline): Benign. Review status: criteria provided, multiple submitters, no conflicts (2 of 4 stars). 2 submissions from 2 submitters: Benign (2). Last evaluated 2018-06-16.

Allele frequency attached by ClinVar (database versions not stated): 1000 Genomes Project 30x 0.01999; 1000 Genomes Project 0.02057; TOPMed 0.04916; gnomAD 0.05485 and 0.05710; gnomAD exomes 0.05708; ExAC 0.05995.
gnomAD v4.1: 105,216 of 1,365,774 alleles (7.7%); highest among the groups gnomAD compares: Non-Finnish European, 9.6%; 4,893 homozygotes.

Submissions (2):

GeneDx
Classification: Benign. Last evaluated: 2018-06-16. Review status: criteria provided, single submitter. Criteria: GeneDx Variant Classification (06012015). Collection method: clinical testing. Allele origin: germline. Affected: yes.
Comment: This variant is considered likely benign or benign based on one or more of the following criteria: it is a conservative change, it occurs at a poorly conserved position in the protein, it is predicted to be benign by multiple in silico algorithms, and/or has population frequency not consistent with disease.

Breakthrough Genomics
Classification: Benign. Review status: criteria provided, single submitter. Criteria: ACMG Guidelines, 2015. Collection method: not provided. Allele origin: germline. Inheritance: Autosomal dominant inheritance. Affected: yes.